The following is an entry in ClinVar:

NM_015466.4(PTPN23):c.1870G>A (p.Asp624Asn)

Gene: PTPN23 (protein tyrosine phosphatase non-receptor type 23; plus strand). Cytogenetic location: 3p21.31.
Variant type: single nucleotide variant.
Coding change: c.1870G>A on transcript NM_015466.4 (MANE Select); coding-DNA position 1870, G replaced by A.
Protein change: p.Asp624Asn; replaces aspartic acid 624 with asparagine.
Molecular consequence: missense variant.
Genome position (GRCh38, 1-based): chr3:47,409,489, G>A. VCF-style: chr3-47409489-G-A. GRCh37 (hg19) VCF-style: chr3-47450979-G-A.
Other names: c.1492G>A, p.Asp498Asn (NM_001304482.2); short protein forms D624N, D498N.
Identifiers: ClinVar variation 1416897 (VCV001416897.5), dbSNP rs2107720362, ClinGen allele CA352555593.
Genomic context (GRCh38, chr3:47,409,489, plus strand): 5'-GAGCAGCTGAAAAAGTATGACCAGCTGAAGGTGTACCTGGAGCAGAACCTGGCCGCCCAG[G>A]ACCGTGTCCTCTGTGCACTGACAGAGGCCAACGTGCAGTACGCAGCCGTGCGGCGGGTAC-3'
Protein context (NP_056281.1, residues 614-634): VYLEQNLAAQ[Asp624Asn]RVLCALTEAN

ClinVar aggregate classification (germline): Uncertain significance (1 of 4 stars; one submission).

Submission:

Labcorp Genetics (formerly Invitae), Labcorp
Classification: Uncertain significance. Last evaluated: 2024-02-23. Review status: criteria provided, single submitter. Criteria: Invitae Variant Classification Sherloc (09022015). Collection method: clinical testing. Allele origin: germline.
Comment: This sequence change replaces aspartic acid, which is acidic and polar, with asparagine, which is neutral and polar, at codon 624 of the PTPN23 protein (p.Asp624Asn). This variant is not present in population databases (gnomAD no frequency). This variant has not been reported in the literature in individuals affected with PTPN23-related conditions. ClinVar contains an entry for this variant (Variation ID: 1416897). Experimental studies and prediction algorithms are not available or were not evaluated, and the functional significance of this variant is currently unknown. In summary, the available evidence is currently insufficient to determine the role of this variant in disease. Therefore, it has been classified as a Variant of Uncertain Significance.